The following is an entry in ClinVar:

NM_001379500.1(COL18A1):c.107-12179C>T

Gene: COL18A1 (collagen type XVIII alpha 1 chain; plus strand). Cytogenetic location: 21q22.3.
Variant type: single nucleotide variant.
Coding change: c.107-12179C>T on transcript NM_001379500.1 (MANE Select); 12179 bases into the intron before coding-DNA position 107, C replaced by T.
Molecular consequence: intron variant. On other transcripts: missense variant (2).
Genome position (GRCh38, 1-based): chr21:45,456,063, C>T. VCF-style: chr21-45456063-C-T. GRCh37 (hg19) VCF-style: chr21-46875977-C-T.
Other names: c.533C>T (NM_030582.3); c.533C>T, p.Pro178Leu (NM_030582.4, NM_130444.3); short protein forms P178L.
Identifiers: ClinVar variation 1403520 (VCV001403520.5), dbSNP rs753055018, ClinGen allele CA10065502.

ClinVar aggregate classification (germline): Uncertain significance. Review status: criteria provided, multiple submitters, no conflicts (2 of 4 stars). 2 submissions from 2 submitters: Uncertain significance (2). Last evaluated 2026-07-22.

Conditions:
COL18A1-related disorder. Also called: COL18A1-related disorders; COL18A1-related condition.

Allele frequency attached by ClinVar (database versions not stated): ExAC 0.00003; gnomAD exomes 0.00006; TOPMed 0.00007; gnomAD 0.00009.
gnomAD v4.1: 123 of 1,605,204 alleles (0.0077%); highest among the groups gnomAD compares: Middle Eastern, 0.017%; no homozygotes.

Submissions (2):

PreventionGenetics, part of Exact Sciences
Classification: Uncertain significance for COL18A1-related condition. Last evaluated: 2026-07-22. Review status: criteria provided, single submitter. Criteria: ACMG Guidelines, 2015. Collection method: clinical testing. Allele origin: germline.
Comment: The COL18A1 c.533C>T variant is predicted to result in the amino acid substitution p.Pro178Leu. To our knowledge, this variant has not been reported in the literature. This variant is reported in 0.0084% of alleles in individuals of African descent in gnomAD. At this time, the clinical significance of this variant is uncertain due to the absence of conclusive functional and genetic evidence.

Labcorp Genetics (formerly Invitae), Labcorp
Classification: Uncertain significance. Last evaluated: 2025-10-22. Review status: criteria provided, single submitter. Criteria: Invitae Variant Classification Sherloc (09022015). Collection method: clinical testing. Allele origin: germline.
Comment: The COL18A1 gene has multiple clinically relevant transcripts. This variant occurs in alternate transcript NM_030582.3, and corresponds to NM_130445.2:c.107-12179C>T in the primary transcript. This sequence change replaces proline, which is neutral and non-polar, with leucine, which is neutral and non-polar, at codon 178 of the COL18A1 protein (p.Pro178Leu). This variant is present in population databases (rs753055018, gnomAD 0.008%). This variant has not been reported in the literature in individuals affected with COL18A1-related conditions. ClinVar contains an entry for this variant (Variation ID: 1403520). Experimental studies and prediction algorithms are not available or were not evaluated, and the functional significance of this variant is currently unknown. Algorithms developed to predict the effect of sequence changes on RNA splicing suggest that this variant is not likely to affect RNA splicing. In summary, the available evidence is currently insufficient to determine the role of this variant in disease. Therefore, it has been classified as a Variant of Uncertain Significance.